The following is an entry in ClinVar:

NM_031942.5(CDCA7):c.22-1G>A

Gene: CDCA7 (cell division cycle associated 7; plus strand). Cytogenetic location: 2q31.1.
Variant type: single nucleotide variant.
Coding change: c.22-1G>A on transcript NM_031942.5 (MANE Select); the canonical splice acceptor site of the intron before coding-DNA position 22, G replaced by A.
Molecular consequence: splice acceptor variant.
Genome position (GRCh38, 1-based): chr2:173,358,711, G>A. VCF-style: chr2-173358711-G-A. GRCh37 (hg19) VCF-style: chr2-174223439-G-A.
Other names: c.22-1G>A (NM_145810.3).
Identifiers: ClinVar variation 2427941 (VCV002427941.7), dbSNP rs755933689, ClinGen allele CA1971139.

ClinVar aggregate classification (germline): Uncertain significance (1 of 4 stars; one submission).

Allele frequency attached by ClinVar (database versions not stated): ExAC 0.00001; gnomAD exomes 0.00002; TOPMed 0.00003.
gnomAD v4.1: 9 of 1,611,978 alleles (0.00056%); highest among the groups gnomAD compares: Admixed American, 0.015%; no homozygotes.

Submission:

Labcorp Genetics (formerly Invitae), Labcorp
Classification: Uncertain significance. Last evaluated: 2022-07-12. Review status: criteria provided, single submitter. Criteria: Invitae Variant Classification Sherloc (09022015). Collection method: clinical testing. Allele origin: germline.
Comment: This sequence change affects an acceptor splice site in intron 1 of the CDCA7 gene. It is expected to disrupt RNA splicing. Variants that disrupt the donor or acceptor splice site typically lead to a loss of protein function (PMID: 16199547), however the current clinical and genetic evidence is not sufficient to establish whether loss-of-function variants in CDCA7 cause disease. This variant is present in population databases (rs755933689, gnomAD 0.02%). This variant has not been reported in the literature in individuals affected with CDCA7-related conditions. Algorithms developed to predict the effect of sequence changes on RNA splicing suggest that this variant may disrupt the consensus splice site. In summary, the available evidence is currently insufficient to determine the role of this variant in disease. Therefore, it has been classified as a Variant of Uncertain Significance.

Literature cited by the submitters: PubMed 16199547.